The following is an entry in ClinVar:

NM_003803.4(MYOM1):c.2428C>T (p.Arg810Trp)

Gene: MYOM1 (myomesin 1; minus strand). Cytogenetic location: 18p11.31.
Variant type: single nucleotide variant.
Coding change: c.2428C>T on transcript NM_003803.4 (MANE Select); coding-DNA position 2428, C replaced by T.
Protein change: p.Arg810Trp; replaces arginine 810 with tryptophan.
Molecular consequence: missense variant.
Genome position (GRCh38, 1-based): chr18:3,131,453, G>A on the plus strand (C>T on the coding strand, the complement: MYOM1 is on the minus strand). VCF-style: chr18-3131453-G-A. GRCh37 (hg19) VCF-style: chr18-3131451-G-A.
Other names: c.2428C>T, p.Arg810Trp (NM_019856.2); short protein forms R810W.
Identifiers: ClinVar variation 667286 (VCV000667286.11), dbSNP rs776727177, ClinGen allele CA295516888.

ClinVar aggregate classification (germline): Uncertain significance. Review status: criteria provided, multiple submitters, no conflicts (2 of 4 stars). 2 submissions from 2 submitters: Uncertain significance (2). Last evaluated 2026-01-13.

Conditions:
Hypertrophic cardiomyopathy. Also called: HYPERTROPHIC MYOCARDIOPATHY. Identifiers: Orphanet 217569, MedGen C0007194, MeSH D002312, MONDO:0005045, HP:0001639.

Allele frequency attached by ClinVar (database versions not stated): gnomAD exomes 0.00003 and 0.00001; gnomAD 0.00006; TOPMed 0.00009; 1000 Genomes Project 30x 0.00016.
gnomAD v4.1: 52 of 1,613,558 alleles (0.0032%); highest among the groups gnomAD compares: African/African-American, 0.0067%; no homozygotes.

Submissions (2):

Labcorp Genetics (formerly Invitae), Labcorp
Classification: Uncertain significance for Hypertrophic cardiomyopathy. Last evaluated: 2026-01-13. Review status: criteria provided, single submitter. Criteria: Invitae Variant Classification Sherloc (09022015). Collection method: clinical testing. Allele origin: germline.
Comment: This sequence change replaces arginine, which is basic and polar, with tryptophan, which is neutral and slightly polar, at codon 810 of the MYOM1 protein (p.Arg810Trp). This variant is present in population databases (rs776727177, gnomAD 0.004%). This variant has not been reported in the literature in individuals affected with MYOM1-related conditions. ClinVar contains an entry for this variant (Variation ID: 667286). Invitae Evidence Modeling of protein sequence and biophysical properties (such as structural, functional, and spatial information, amino acid conservation, physicochemical variation, residue mobility, and thermodynamic stability) has been performed for this missense variant. However, the output from this modeling did not meet the statistical confidence thresholds required to predict the impact of this variant on MYOM1 protein function. In summary, the available evidence is currently insufficient to determine the role of this variant in disease. Therefore, it has been classified as a Variant of Uncertain Significance.

Laboratory for Molecular Medicine, Mass General Brigham Personalized Medicine
Classification: Uncertain significance. Last evaluated: 2018-03-14. Review status: criteria provided, single submitter. Criteria: LMM Criteria. Collection method: clinical testing. Allele origin: germline. Observed: 1 variant allele.
Comment: The p.Arg810Trp variant in MYOM1 has not been previously reported in individuals with cardiomyopathy, but has been identified in 4/276752 chromosomes by the Gen ome Aggregation Database (gnomAD; dbSNP rs7767 27177). Computational prediction tools and conservation analysis suggest that th e p.Arg810Trp variant may impact the protein, though this information is not pre dictive enough to determine pathogenicity. In summary, the clinical significance of the p.Arg810Trp variant is uncertain. ACMG/AMP Criteria applied: PP3, PM2.